The following is an entry in ClinVar:

NM_002283.4(KRT85):c.1313T>C (p.Val438Ala)

Gene: KRT85 (keratin 85; minus strand). Cytogenetic location: 12q13.13.
Variant type: single nucleotide variant.
Coding change: c.1313T>C on transcript NM_002283.4 (MANE Select); coding-DNA position 1313, T replaced by C.
Protein change: p.Val438Ala; replaces valine 438 with alanine.
Molecular consequence: missense variant.
Genome position (GRCh38, 1-based): chr12:52,361,484, A>G on the plus strand (T>C on the coding strand, the complement: KRT85 is on the minus strand). VCF-style: chr12-52361484-A-G. GRCh37 (hg19) VCF-style: chr12-52755268-A-G.
Other names: c.677T>C, p.Val226Ala (NM_001300810.1); c.1313T>C (NM_002283.3); short protein forms V438A, V226A.
Identifiers: ClinVar variation 2078791 (VCV002078791.5), dbSNP rs145033594, ClinGen allele CA6577938.

ClinVar aggregate classification (germline): Conflicting classifications of pathogenicity. Review status: criteria provided, conflicting classifications (1 of 4 stars). 2 submissions from 2 submitters: Uncertain significance (1); Likely benign (1). Last evaluated 2025-06-12.

Allele frequency attached by ClinVar (database versions not stated): gnomAD 0.00036; ExAC 0.00036; TOPMed 0.00037; gnomAD exomes 0.00030; ESP Exome Variant Server 0.00054.

Submissions (2):

GeneDx
Classification: Uncertain significance. Last evaluated: 2025-06-12. Review status: criteria provided, single submitter. Criteria: GeneDx Variant Classification Process June 2021. Collection method: clinical testing. Allele origin: germline. Affected: yes.
Comment: In silico analysis supports that this missense variant has a deleterious effect on protein structure/function; Has not been previously published as pathogenic or benign to our knowledge

Labcorp Genetics (formerly Invitae), Labcorp
Classification: Likely benign. Last evaluated: 2024-02-16. Review status: criteria provided, single submitter. Criteria: Invitae Variant Classification Sherloc (09022015). Collection method: clinical testing. Allele origin: germline.